The following is an entry in ClinVar:

NM_005097.4(LGI1):c.547T>C (p.Trp183Arg)

Gene: LGI1 (leucine rich glioma inactivated 1; plus strand). Cytogenetic location: 10q23.33.
Variant type: single nucleotide variant.
Coding change: c.547T>C on transcript NM_005097.4 (MANE Select); coding-DNA position 547, T replaced by C.
Protein change: p.Trp183Arg; replaces tryptophan 183 with arginine.
Molecular consequence: missense variant. On other transcripts: non-coding transcript variant (1).
Genome position (GRCh38, 1-based): chr10:93,792,786, T>C. VCF-style: chr10-93792786-T-C. GRCh37 (hg19) VCF-style: chr10-95552543-T-C.
Other names: c.547T>C, p.Trp183Arg (NM_001308275.2); c.403T>C, p.Trp135Arg (NM_001308276.2); short protein forms W135R, W183R.
Identifiers: ClinVar variation 1254312 (VCV001254312.2), dbSNP rs2134020823, ClinGen allele CA377623306.

ClinVar aggregate classification (germline): Uncertain significance (1 of 4 stars; one submission).

Submission:

GeneDx
Classification: Uncertain significance. Last evaluated: 2021-08-02. Review status: criteria provided, single submitter. Criteria: GeneDx Variant Classification Process June 2021. Collection method: clinical testing. Allele origin: germline. Affected: yes.
Comment: Has not been previously published as pathogenic or benign to our knowledge; Not observed at significant frequency in large population cohorts (Lek et al., 2016); In silico analysis supports that this missense variant has a deleterious effect on protein structure/function